The following is an entry in ClinVar:

ClinVar aggregate classification (germline): Pathogenic (1 of 4 stars; one submission).

Conditions:
Cholestanol storage disease (CTX). Also called: CEREBRAL CHOLESTERINOSIS; CTX: Cerebrotendinous xanthomatosis; Cerebrotendinous Xanthomatosis. Identifiers: Orphanet 909, MedGen C0238052, MONDO:0008948, OMIM 213700.

Submission:

Institute of Human Genetics, University of Leipzig Medical Center
Classification: Pathogenic for Cholestanol storage disease. Last evaluated: 2022-11-22. Review status: criteria provided, single submitter. Criteria: ACMG Guidelines, 2015. Collection method: clinical testing. Allele origin: unknown. Affected: yes.
Comment: This variant was identified as compound heterozygous with NM_000784.4:c.1381C>T._x000D_ Criteria applied: PVS1, PM3, PM2_SUP

NM_000784.4(CYP27A1):c.1297dup (p.Arg433fs)

Gene: CYP27A1 (cytochrome P450 family 27 subfamily A member 1; plus strand). Cytogenetic location: 2q35.
Variant type: Duplication.
Coding change: c.1297dup on transcript NM_000784.4 (MANE Select); coding-DNA position 1297, one base duplicated (C; older notation c.1297dupC).
Protein change: p.Arg433fs; shifts the reading frame from arginine 433.
Molecular consequence: frameshift variant.
Genome position (GRCh38, 1-based): chr2:218,814,578, C duplicated; the last of 3 consecutive C bases (chr2:218,814,576-218,814,578); duplicating any one gives the same sequence. VCF-style (leftmost placement, unchanged base first): chr2-218814575-T-TC. GRCh37 (hg19) VCF-style: chr2-219679298-T-TC.
Other names: short protein forms R433fs.
Identifiers: ClinVar variation 1804131 (VCV001804131.1), dbSNP rs2470229842, ClinGen allele CA2580065759.